The following is an entry in ClinVar:

NM_001330078.2(NRXN1):c.*1911G>T

Gene: NRXN1 (neurexin 1; minus strand). Cytogenetic location: 2p16.3.
Variant type: single nucleotide variant.
Coding change: c.*1911G>T on transcript NM_001330078.2 (MANE Select); 1911 bases downstream of the stop codon, G replaced by T.
Molecular consequence: 3 prime UTR variant.
Genome position (GRCh38, 1-based): chr2:49,920,033, C>A on the plus strand (G>T on the coding strand, the complement: NRXN1 is on the minus strand). VCF-style: chr2-49920033-C-A. GRCh37 (hg19) VCF-style: chr2-50147171-C-A.
Other names: c.*1911G>T (NM_001135659.3, NM_001320156.4, NM_001320157.4 and 17 more transcripts).
Identifiers: ClinVar variation 336515 (VCV000336515.6), dbSNP rs11885824, ClinGen allele CA10615818.
Genomic context (GRCh38, chr2:49,920,033, plus strand): 5'-TCTTCTACAAAATTTTTTATCGTTCTTTTAGAAGGTATTCAAGTAATGCAACCAATTTTT[C>A]CTGAAACATCAACTTGCAATGTAATAATGCATTTTTTGCACTACCTTCTCATATTAGTAA-3'

ClinVar aggregate classification (germline): Benign. Review status: criteria provided, multiple submitters, no conflicts (2 of 4 stars). 2 submissions from 2 submitters: Benign (2). Last evaluated 2018-01-13.

Conditions:
Pitt-Hopkins-like syndrome 2 (PTHSL2). Identifiers: Orphanet 221150, Orphanet 600663, MedGen C3280479, MONDO:0013690, OMIM 614325.

Allele frequency attached by ClinVar (database versions not stated): gnomAD 0.20346 and 0.20404; TOPMed 0.21198; 1000 Genomes Project 30x 0.22673; 1000 Genomes Project 0.22724.

Submissions (2):

Illumina Laboratory Services, Illumina
Classification: Benign for Pitt-Hopkins-like syndrome 2. Last evaluated: 2018-01-13. Review status: criteria provided, single submitter. Criteria: ICSL Variant Classification Criteria 13 December 2019. Collection method: clinical testing. Allele origin: germline.
Comment: This variant was observed in the ICSL laboratory as part of a predisposition screen in an ostensibly healthy population. It had not been previously curated by ICSL or reported in the Human Gene Mutation Database (HGMD: prior to June 1st, 2018), and was therefore a candidate for classification through an automated scoring system. Utilizing variant allele frequency, disease prevalence and penetrance estimates, and inheritance mode, an automated score was calculated to assess if this variant is too frequent to cause the disease. Based on the score and internal cut-off values, a variant classified as benign is not then subjected to further curation. The score for this variant resulted in a classification of benign for this disease.

Breakthrough Genomics
Classification: Benign. Review status: criteria provided, single submitter. Criteria: ACMG Guidelines, 2015. Collection method: not provided. Allele origin: germline. Inheritance: Autosomal recessive inheritance. Affected: yes.